The following is an entry in ClinVar:

NM_000037.4(ANK1):c.767G>A (p.Arg256Gln)

Gene: ANK1 (ankyrin 1; minus strand). Cytogenetic location: 8p11.21.
Variant type: single nucleotide variant.
Coding change: c.767G>A on transcript NM_000037.4 (MANE Select); coding-DNA position 767, G replaced by A.
Protein change: p.Arg256Gln; replaces arginine 256 with glutamine.
Molecular consequence: missense variant.
Genome position (GRCh38, 1-based): chr8:41,723,578, C>T on the plus strand (G>A on the coding strand, the complement: ANK1 is on the minus strand). VCF-style: chr8-41723578-C-T. GRCh37 (hg19) VCF-style: chr8-41581096-C-T.
Other names: c.767G>A, p.Arg256Gln (NM_020476.3, NM_020477.3, NM_020475.3); c.866G>A, p.Arg289Gln (NM_001142446.2); short protein forms R256Q, R289Q.
Identifiers: ClinVar variation 2628989 (VCV002628989.4), dbSNP rs777258799, ClinGen allele CA4728862.
Genomic context (GRCh38, chr8:41,723,578, plus strand): 5'-CACCTGCTGGCACCCACCTTGGTCTTGGTTTCTATCTGGGCTCCCCGATCCAGCAGCAGC[C>T]GCACCATGATCACGTTGCCCCTGCGGGAGGCGATGTGCAGTGGCGTGATGCCGTTCTGAA-3'
Protein context (NP_000028.3, residues 246-266): ASRRGNVIMV[Arg256Gln]LLLDRGAQIE

ClinVar aggregate classification (germline): Uncertain significance. Review status: criteria provided, single submitter (1 of 4 stars). 2 submissions from 2 submitters: Uncertain significance (1). 1 of the submissions does not count toward it. Last evaluated 2025-07-07.

Conditions:
ANK1-related disorder. Also called: ANK1-related condition.

Allele frequency attached by ClinVar (database versions not stated): gnomAD 0.00001; ExAC 0.00002; TOPMed 0.00004; gnomAD exomes 0.00001.
gnomAD v4.1: 13 of 1,613,916 alleles (0.00081%); highest among the groups gnomAD compares: African/African-American, 0.0067%; no homozygotes.

Submissions (2):

Dasa
Classification: Uncertain significance. Last evaluated: 2025-07-07. Review status: criteria provided, single submitter. Criteria: DASA Assertion Criteria. Collection method: clinical testing. Allele origin: germline.
Comment: NM_000037.4(ANK1):c.767G>A (p.Arg256Gln) is a missense variant that results in the substitution of arginine with glutamine. This variant is rare in population databases. Computational prediction algorithms are consistent with a benign effect. The currently available literature and clinical evidence are not sufficient to establish a definitive association between this variant and the reported condition. Therefore, this variant is classified as a variant of uncertain significance.

PreventionGenetics, part of Exact Sciences
Classification: Uncertain significance for ANK1-related condition. Last evaluated: 2024-08-19. Review status: no assertion criteria provided. Collection method: clinical testing. Allele origin: germline. Not counted in ClinVar's aggregate classification.
Comment: The ANK1 c.767G>A variant is predicted to result in the amino acid substitution p.Arg256Gln. To our knowledge, this variant has not been reported in the literature. This variant is reported in 0.0040% of alleles in individuals of African descent in gnomAD. At this time, the clinical significance of this variant is uncertain due to the absence of conclusive functional and genetic evidence.